The following is an entry in ClinVar:

NM_172362.3(KCNH1):c.1070G>T (p.Arg357Leu)

Gene: KCNH1 (potassium voltage-gated channel subfamily H member 1; minus strand). Cytogenetic location: 1q32.2.
Variant type: single nucleotide variant.
Coding change: c.1070G>T on transcript NM_172362.3 (MANE Select); coding-DNA position 1070, G replaced by T.
Protein change: p.Arg357Leu; replaces arginine 357 with leucine.
Molecular consequence: missense variant.
Genome position (GRCh38, 1-based): chr1:210,920,032, C>A on the plus strand (G>T on the coding strand, the complement: KCNH1 is on the minus strand). VCF-style: chr1-210920032-C-A. GRCh37 (hg19) VCF-style: chr1-211093374-C-A.
Other names: c.989G>T, p.Arg330Leu (NM_002238.4); short protein forms R330L, R357L.
Identifiers: ClinVar variation 4530651 (VCV004530651.1).
Genomic context (GRCh38, chr1:210,920,032, plus strand): 5'-GCAGCTCCATATTCAATGTAGTGGTCCAGCTTACGGGCCACTCGCCCAAGACGGAGCAGC[C>A]GGACAACTTTTAGAGAGCTGAACAGGCTGCTGATGCCCTGGGAGAAGAGGAACACAGCGT-3'
Protein context (NP_758872.1, residues 347-367): SSLFSSLKVV[Arg357Leu]LLRLGRVARK

ClinVar aggregate classification (germline): Likely pathogenic (0 of 4 stars; one submission).

Conditions:
Zimmermann-Laband syndrome 1 (ZLS1). Identifiers: Orphanet 3473, MedGen C4551773, MONDO:0024526, OMIM 135500.
Temple-Baraitser syndrome (TMBTS). Also called: Severe mental retardation and absent nails of hallux and pollex. Identifiers: Orphanet 420561, MedGen C2678486, MONDO:0012735, OMIM 611816.

Submission:

Diagnostics Centre, Carl Von Ossietzky University Oldenburg
Classification: Likely pathogenic for Temple-Baraitser syndrome; Zimmermann-Laband syndrome 1. Last evaluated: 2025-01-24. Review status: no assertion criteria provided. Collection method: clinical testing. Allele origin: germline. Affected: yes. Observed: 1 variant allele.
Comment: The variant KCNH1:c.1070G>T p.(Arg357Leu) which is located in the coding exon 7 of the KCNH1 gene, results from a guanine to thymine substitution at nucleotide position c.1070. The arginine residue at protein position 357 is replaced by a leucine. This amino acid position is highly conserved in the available vertebrate species. The affected position is located in a well-established ion transport functional domain of the protein. Almost all KCNH1 missense variants described as pathogenic are located within this domain. Missense variants in this gene or the affected region are a known disease mechanism and are rare in the general population. The affected protein region has significant levels of missense constrain. In silico tools predict a severe deleterious effect in the protein structure/function (REVEL = 0.94). The variant has not yet been described in ClinVar or any other scientific publication known to us. However, it is co-localized with a variant thas had been classified 13 as Pathogenic as well as likely pathogenic in multiple entries in ClinVar (Arg357Gln; ClinVarID: 279981). The variant is classified as very rare since it is absent in gnomAD v4.1.0. In summary, this variant is classified as Likely pathogenic.